The following is an entry in ClinVar:

ClinVar aggregate classification (germline): Uncertain significance (1 of 4 stars; one submission).

gnomAD v4.1: 4 of 1,614,160 alleles (0.00025%); highest among the groups gnomAD compares: Non-Finnish European, 0.00034%; no homozygotes.

Submission:

Ambry Genetics
Classification: Uncertain significance. Last evaluated: 2025-02-08. Review status: criteria provided, single submitter. Criteria: Ambry Variant Classification Scheme 2023. Collection method: clinical testing. Allele origin: germline.
Comment: The p.M993V variant (also known as c.2977A>G), located in coding exon 1 of the TET2 gene, results from an A to G substitution at nucleotide position 2977. The methionine at codon 993 is replaced by valine, an amino acid with highly similar properties. This amino acid position is conserved. In addition, this alteration is predicted to be tolerated by in silico analysis. Based on the available evidence, the clinical significance of this variant remains unclear.

NM_001127208.3(TET2):c.2977A>G (p.Met993Val)

Genes: TET2 (tet methylcytosine dioxygenase 2; plus strand), TET2-AS1 (TET2 antisense RNA 1; minus strand). Cytogenetic location: 4q24.
Variant type: single nucleotide variant.
Coding change: c.2977A>G on transcript NM_001127208.3 (MANE Select); coding-DNA position 2977, A replaced by G.
Protein change: p.Met993Val; replaces methionine 993 with valine.
Molecular consequence: missense variant.
Genome position (GRCh38, 1-based): chr4:105,236,919, A>G. VCF-style: chr4-105236919-A-G. GRCh37 (hg19) VCF-style: chr4-106158076-A-G.
Other names: c.2977A>G, p.Met993Val (NM_017628.4); short protein forms M993V.
Identifiers: ClinVar variation 3806036 (VCV003806036.1).